The following is an entry in ClinVar:

ClinVar aggregate classification (germline): Uncertain significance. Review status: criteria provided, multiple submitters, no conflicts (2 of 4 stars). 3 submissions from 3 submitters: Uncertain significance (3). Last evaluated 2025-10-20.

Allele frequency attached by ClinVar (database versions not stated): ExAC 0.00011; gnomAD 0.00015; TOPMed 0.00015; gnomAD exomes 0.00040; ESP Exome Variant Server 0.00023.

Submissions (3):

Labcorp Genetics (formerly Invitae), Labcorp
Classification: Uncertain significance. Last evaluated: 2025-10-20. Review status: criteria provided, single submitter. Criteria: Invitae Variant Classification Sherloc (09022015). Collection method: clinical testing. Allele origin: germline.
Comment: This sequence change replaces phenylalanine, which is neutral and non-polar, with tyrosine, which is neutral and polar, at codon 1279 of the SPTB protein (p.Phe1279Tyr). This variant is present in population databases (rs376325010, gnomAD 0.02%). This variant has not been reported in the literature in individuals affected with SPTB-related conditions. ClinVar contains an entry for this variant (Variation ID: 2690126). An algorithm developed to predict the effect of missense changes on protein structure and function (PolyPhen-2) suggests that this variant is likely to be disruptive. In summary, the available evidence is currently insufficient to determine the role of this variant in disease. Therefore, it has been classified as a Variant of Uncertain Significance.

Revvity Omics, Revvity
Classification: Uncertain significance. Last evaluated: 2024-11-11. Review status: criteria provided, single submitter. Criteria: ACMG Guidelines, 2015. Collection method: clinical testing. Allele origin: germline.

ARUP Laboratories, Molecular Genetics and Genomics, ARUP Laboratories
Classification: Uncertain significance. Last evaluated: 2023-02-22. Review status: criteria provided, single submitter. Criteria: ARUP Molecular Germline Variant Investigation Process 2024. Collection method: clinical testing. Allele origin: germline.

NM_001355436.2(SPTB):c.3836T>A (p.Phe1279Tyr)

Gene: SPTB (spectrin beta, erythrocytic; minus strand). Cytogenetic location: 14q23.3.
Variant type: single nucleotide variant.
Coding change: c.3836T>A on transcript NM_001355436.2 (MANE Select); coding-DNA position 3836, T replaced by A.
Protein change: p.Phe1279Tyr; replaces phenylalanine 1279 with tyrosine.
Molecular consequence: missense variant.
Genome position (GRCh38, 1-based): chr14:64,785,556, A>T on the plus strand (T>A on the coding strand, the complement: SPTB is on the minus strand). VCF-style: chr14-64785556-A-T. GRCh37 (hg19) VCF-style: chr14-65252274-A-T.
Other names: c.3836T>A, p.Phe1279Tyr (NM_001024858.4, NM_001355437.2); short protein forms F1279Y.
Identifiers: ClinVar variation 2690126 (VCV002690126.6), dbSNP rs376325010, ClinGen allele CA7230492.